The following is an entry in ClinVar:

ClinVar aggregate classification (germline): Uncertain significance. Review status: criteria provided, multiple submitters, no conflicts (2 of 4 stars). 3 submissions from 3 submitters: Uncertain significance (3). Last evaluated 2025-01-07.

Conditions:
Inborn genetic diseases. Identifiers: MedGen C0950123, MeSH D030342.
Ataxia - intellectual disability - oculomotor apraxia - cerebellar cysts syndrome. Also called: Poretti-Boltshauser syndrome. Identifiers: Orphanet 370022, MedGen C4014821, MONDO:0014419, OMIM 615960.

Allele frequency attached by ClinVar (database versions not stated): gnomAD exomes 0.00003 and 0.00011; ExAC 0.00004; gnomAD 0.00004 and 0.00003; TOPMed 0.00011.
gnomAD v4.1: 46 of 1,614,112 alleles (0.0028%); highest among the groups gnomAD compares: Admixed American, 0.072%; no homozygotes.

Submissions (3):

Ambry Genetics
Classification: Uncertain significance for Inborn genetic diseases. Last evaluated: 2025-01-07. Review status: criteria provided, single submitter. Criteria: Ambry Variant Classification Scheme 2023. Collection method: clinical testing. Allele origin: germline.

Labcorp Genetics (formerly Invitae), Labcorp
Classification: Uncertain significance. Last evaluated: 2021-10-18. Review status: criteria provided, single submitter. Criteria: Invitae Variant Classification Sherloc (09022015). Collection method: clinical testing. Allele origin: germline.
Comment: This sequence change replaces serine with phenylalanine at codon 2017 of the LAMA1 protein (p.Ser2017Phe). The serine residue is weakly conserved and there is a large physicochemical difference between serine and phenylalanine. This variant is present in population databases (rs778208901, ExAC 0.04%). This variant has not been reported in the literature in individuals affected with LAMA1-related conditions. ClinVar contains an entry for this variant (Variation ID: 1032336). Algorithms developed to predict the effect of missense changes on protein structure and function are either unavailable or do not agree on the potential impact of this missense change (SIFT: "Tolerated"; PolyPhen-2: "Possibly Damaging"; Align-GVGD: "Class C0"). In summary, the available evidence is currently insufficient to determine the role of this variant in disease. Therefore, it has been classified as a Variant of Uncertain Significance.

Baylor Genetics
Classification: Uncertain significance for Ataxia - intellectual disability - oculomotor apraxia - cerebellar cysts syndrome. Last evaluated: 2018-07-31. Review status: criteria provided, single submitter. Criteria: ACMG Guidelines, 2015. Collection method: clinical testing. Allele origin: paternal. Affected: yes.
Comment: This variant was determined to be of uncertain significance according to ACMG Guidelines, 2015 [PMID:25741868].

NM_005559.4(LAMA1):c.6050C>T (p.Ser2017Phe)

Gene: LAMA1 (laminin subunit alpha 1; minus strand). Cytogenetic location: 18p11.31.
Variant type: single nucleotide variant.
Coding change: c.6050C>T on transcript NM_005559.4 (MANE Select); coding-DNA position 6050, C replaced by T.
Protein change: p.Ser2017Phe; replaces serine 2017 with phenylalanine.
Molecular consequence: missense variant.
Genome position (GRCh38, 1-based): chr18:6,978,336, G>A on the plus strand (C>T on the coding strand, the complement: LAMA1 is on the minus strand). VCF-style: chr18-6978336-G-A. GRCh37 (hg19) VCF-style: chr18-6978335-G-A.
Other names: short protein forms S2017F.
Identifiers: ClinVar variation 1032336 (VCV001032336.4), dbSNP rs778208901, ClinGen allele CA8881370.